The following is an entry in ClinVar:

NM_000135.4(FANCA):c.2210C>T (p.Ala737Val)

Gene: FANCA (FA complementation group A; minus strand). Cytogenetic location: 16q24.3.
Variant type: single nucleotide variant.
Coding change: c.2210C>T on transcript NM_000135.4 (MANE Select); coding-DNA position 2210, C replaced by T.
Protein change: p.Ala737Val; replaces alanine 737 with valine.
Molecular consequence: missense variant.
Genome position (GRCh38, 1-based): chr16:89,770,576, G>A on the plus strand (C>T on the coding strand, the complement: FANCA is on the minus strand). VCF-style: chr16-89770576-G-A. GRCh37 (hg19) VCF-style: chr16-89836984-G-A.
Other names: c.2210C>T (LRG_495t1); c.2210C>T, p.Ala737Val (NM_001286167.3); short protein forms A737V.
Identifiers: ClinVar variation 456093 (VCV000456093.11), dbSNP rs199938598, ClinGen allele CA8251848.
Genomic context (GRCh38, chr16:89,770,576, plus strand): 5'-TGGCACCCAGAGGAGCCCCACCACTCAGGGAGCTGCCCGCGCCTTCACCTCTCCGGGGGA[G>A]CGACACTGGAGGCAGCCATCAGGTTCTGACAGAAAGACGTCAGCAGGAGGTCCACAGCCT-3'
Protein context (NP_000126.2, residues 727-747): CQNLMAASSV[Ala737Val]PPERQGPWAA

ClinVar aggregate classification (germline): Uncertain significance. Review status: criteria provided, multiple submitters, no conflicts (2 of 4 stars). 3 submissions from 3 submitters: Uncertain significance (2). 1 of the submissions does not count toward it. Last evaluated 2024-04-11.

Conditions:
Fanconi anemia (FA). Also called: Fanconi's anemia. Identifiers: Orphanet 84, MedGen C0015625, MeSH D005199, MONDO:0019391.
Fanconi anemia complementation group A (FANCA). Also called: Fanconi anemia, group A; FANCA-Related Fanconi Anemia. Identifiers: Orphanet 84, MedGen C3469521, MONDO:0009215, OMIM 227650.

Allele frequency attached by ClinVar (database versions not stated): gnomAD 0.00001 and 0.00005; TOPMed 0.00001; gnomAD exomes 0.00002 and 0.00008; ExAC 0.00003; 1000 Genomes Project 30x 0.00016; 1000 Genomes Project 0.00020.
gnomAD v4.1: 113 of 1,610,634 alleles (0.007%); highest among the groups gnomAD compares: East Asian, 0.25%; 1 homozygote.

Submissions (3):

Labcorp Genetics (formerly Invitae), Labcorp
Classification: Uncertain significance for Fanconi anemia. Last evaluated: 2024-04-11. Review status: criteria provided, single submitter. Criteria: Invitae Variant Classification Sherloc (09022015). Collection method: clinical testing. Allele origin: germline.
Comment: This sequence change replaces alanine, which is neutral and non-polar, with valine, which is neutral and non-polar, at codon 737 of the FANCA protein (p.Ala737Val). This variant is present in population databases (rs199938598, gnomAD 0.02%). This variant has not been reported in the literature in individuals affected with FANCA-related conditions. ClinVar contains an entry for this variant (Variation ID: 456093). Advanced modeling of protein sequence and biophysical properties (such as structural, functional, and spatial information, amino acid conservation, physicochemical variation, residue mobility, and thermodynamic stability) performed at Invitae indicates that this missense variant is not expected to disrupt FANCA protein function with a negative predictive value of 80%. In summary, the available evidence is currently insufficient to determine the role of this variant in disease. Therefore, it has been classified as a Variant of Uncertain Significance.

Fulgent Genetics
Classification: Uncertain significance for Fanconi anemia complementation group A. Last evaluated: 2022-03-22. Review status: criteria provided, single submitter. Criteria: ACMG Guidelines, 2015. Collection method: clinical testing. Allele origin: unknown.

Natera, Inc.
Classification: Uncertain significance for Fanconi anemia. Last evaluated: 2019-10-28. Review status: no assertion criteria provided. Collection method: clinical testing. Allele origin: germline. Not counted in ClinVar's aggregate classification.